The following is an entry in ClinVar:

NM_183381.3(RNF13):c.644G>A (p.Arg215Lys)

Gene: RNF13 (ring finger protein 13; plus strand). Cytogenetic location: 3q25.1.
Variant type: single nucleotide variant.
Coding change: c.644G>A on transcript NM_183381.3 (MANE Select); coding-DNA position 644, G replaced by A.
Protein change: p.Arg215Lys; replaces arginine 215 with lysine.
Molecular consequence: missense variant. On other transcripts: non-coding transcript variant (1).
Genome position (GRCh38, 1-based): chr3:149,921,171, G>A. VCF-style: chr3-149921171-G-A. GRCh37 (hg19) VCF-style: chr3-149638958-G-A.
Other names: c.644G>A, p.Arg215Lys (NM_001378285.1, NM_001378286.1, NM_007282.4); c.287G>A, p.Arg96Lys (NM_001378287.1, NM_001378288.1, NM_001378289.1 and 2 more transcripts); c.251G>A, p.Arg84Lys (NM_001378291.1); short protein forms R215K, R84K, R96K.
Identifiers: ClinVar variation 1515586 (VCV001515586.9), dbSNP rs767662400, ClinGen allele CA2663055.

ClinVar aggregate classification (germline): Uncertain significance. Review status: criteria provided, multiple submitters, no conflicts (2 of 4 stars). 2 submissions from 2 submitters: Uncertain significance (2). Last evaluated 2025-08-10.

Allele frequency attached by ClinVar (database versions not stated): gnomAD 0.00001; gnomAD exomes 0.00001 and 0.00003; ExAC 0.00002.
gnomAD v4.1: 11 of 1,428,884 alleles (0.00077%); highest among the groups gnomAD compares: Middle Eastern, 0.038%; no homozygotes.

Submissions (2):

Ambry Genetics
Classification: Uncertain significance. Last evaluated: 2025-08-10. Review status: criteria provided, single submitter. Criteria: Ambry Variant Classification Scheme 2023. Collection method: clinical testing. Allele origin: germline.

Labcorp Genetics (formerly Invitae), Labcorp
Classification: Uncertain significance. Last evaluated: 2022-08-31. Review status: criteria provided, single submitter. Criteria: Invitae Variant Classification Sherloc (09022015). Collection method: clinical testing. Allele origin: germline.
Comment: ClinVar contains an entry for this variant (Variation ID: 1515586). This variant has not been reported in the literature in individuals affected with RNF13-related conditions. This variant is present in population databases (rs767662400, gnomAD 0.005%). This sequence change replaces arginine, which is basic and polar, with lysine, which is basic and polar, at codon 215 of the RNF13 protein (p.Arg215Lys). In summary, the available evidence is currently insufficient to determine the role of this variant in disease. Therefore, it has been classified as a Variant of Uncertain Significance. Algorithms developed to predict the effect of missense changes on protein structure and function (SIFT, PolyPhen-2, Align-GVGD) all suggest that this variant is likely to be tolerated.